The following is an entry in ClinVar:

NM_181078.3(IL21R):c.1030G>C (p.Asp344His)

Genes: IL21R (interleukin 21 receptor; plus strand), IL21R-AS1 (IL21R antisense RNA 1; minus strand), LOC130058712 (ATAC-STARR-seq lymphoblastoid active region 10626; plus strand). Cytogenetic location: 16p12.1.
Variant type: single nucleotide variant.
Coding change: c.1030G>C on transcript NM_181078.3 (MANE Select); coding-DNA position 1030, G replaced by C.
Protein change: p.Asp344His; replaces aspartic acid 344 with histidine.
Molecular consequence: missense variant. On other transcripts: non-coding transcript variant (1).
Genome position (GRCh38, 1-based): chr16:27,448,696, G>C. VCF-style: chr16-27448696-G-C. GRCh37 (hg19) VCF-style: chr16-27460017-G-C.
Other names: c.1030G>C, p.Asp344His (NM_021798.4); c.1096G>C, p.Asp366His (NM_181079.5); short protein forms D344H, D366H.
Identifiers: ClinVar variation 2759223 (VCV002759223.3), dbSNP rs2543389538, ClinGen allele CA395307046.

ClinVar aggregate classification (germline): Uncertain significance (1 of 4 stars; one submission).

Conditions:
Cryptosporidiosis-chronic cholangitis-liver disease syndrome. Also called: Immunodeficiency type 56; IL21R immunodeficiency. Identifiers: Orphanet 357329, MedGen C3554687, MONDO:0014082, OMIM 615207.

Submission:

Labcorp Genetics (formerly Invitae), Labcorp
Classification: Uncertain significance for Cryptosporidiosis-chronic cholangitis-liver disease syndrome. Last evaluated: 2023-09-09. Review status: criteria provided, single submitter. Criteria: Invitae Variant Classification Sherloc (09022015). Collection method: clinical testing. Allele origin: germline.
Comment: In summary, the available evidence is currently insufficient to determine the role of this variant in disease. Therefore, it has been classified as a Variant of Uncertain Significance. Advanced modeling of protein sequence and biophysical properties (such as structural, functional, and spatial information, amino acid conservation, physicochemical variation, residue mobility, and thermodynamic stability) performed at Invitae indicates that this missense variant is not expected to disrupt IL21R protein function. This variant has not been reported in the literature in individuals affected with IL21R-related conditions. This variant is not present in population databases (gnomAD no frequency). This sequence change replaces aspartic acid, which is acidic and polar, with histidine, which is basic and polar, at codon 344 of the IL21R protein (p.Asp344His).